The following is an entry in ClinVar:

NM_015378.4(VPS13D):c.10283A>G (p.Asn3428Ser)

Gene: VPS13D (vacuolar protein sorting 13 homolog D; plus strand). Cytogenetic location: 1p36.22.
Variant type: single nucleotide variant.
Coding change: c.10283A>G on transcript NM_015378.4 (MANE Select); coding-DNA position 10283, A replaced by G.
Protein change: p.Asn3428Ser; replaces asparagine 3428 with serine.
Molecular consequence: missense variant.
Genome position (GRCh38, 1-based): chr1:12,363,082, A>G. VCF-style: chr1-12363082-A-G. GRCh37 (hg19) VCF-style: chr1-12423138-A-G.
Other names: c.10208A>G, p.Asn3403Ser (NM_018156.4); short protein forms N3428S, N3403S.
Identifiers: ClinVar variation 2067725 (VCV002067725.4), dbSNP rs1448010587, ClinGen allele CA338497601.

ClinVar aggregate classification (germline): Uncertain significance (1 of 4 stars; one submission).

Allele frequency attached by ClinVar (database versions not stated): TOPMed below 0.00001; gnomAD 0.00001; gnomAD exomes 0.00001.
gnomAD v4.1: 13 of 1,614,022 alleles (0.00081%); highest among the groups gnomAD compares: South Asian, 0.0011%; no homozygotes.

Submission:

Labcorp Genetics (formerly Invitae), Labcorp
Classification: Uncertain significance. Last evaluated: 2022-04-08. Review status: criteria provided, single submitter. Criteria: Invitae Variant Classification Sherloc (09022015). Collection method: clinical testing. Allele origin: germline.
Comment: In summary, the available evidence is currently insufficient to determine the role of this variant in disease. Therefore, it has been classified as a Variant of Uncertain Significance. Algorithms developed to predict the effect of missense changes on protein structure and function are either unavailable or do not agree on the potential impact of this missense change (SIFT: "Not Available"; PolyPhen-2: "Probably Damaging"; Align-GVGD: "Not Available"). This variant has not been reported in the literature in individuals affected with VPS13D-related conditions. This variant is not present in population databases (gnomAD no frequency). This sequence change replaces asparagine, which is neutral and polar, with serine, which is neutral and polar, at codon 3428 of the VPS13D protein (p.Asn3428Ser).